The following is an entry in ClinVar:

ClinVar aggregate classification (germline): Uncertain significance (1 of 4 stars; one submission).

Allele frequency attached by ClinVar (database versions not stated): gnomAD exomes 0.00001; TOPMed 0.00001.

Submission:

Labcorp Genetics (formerly Invitae), Labcorp
Classification: Uncertain significance. Last evaluated: 2023-12-14. Review status: criteria provided, single submitter. Criteria: Invitae Variant Classification Sherloc (09022015). Collection method: clinical testing. Allele origin: germline.
Comment: This sequence change creates a premature translational stop signal (p.Tyr362*) in the GUF1 gene. It is expected to result in an absent or disrupted protein product. However, the current clinical and genetic evidence is not sufficient to establish whether loss-of-function variants in GUF1 cause disease. This variant is present in population databases (no rsID available, gnomAD 0.0009%). This variant has not been reported in the literature in individuals affected with GUF1-related conditions. In summary, the available evidence is currently insufficient to determine the role of this variant in disease. Therefore, it has been classified as a Variant of Uncertain Significance.

NM_021927.3(GUF1):c.1086T>G (p.Tyr362Ter)

Gene: GUF1 (GTP binding elongation factor GUF1; plus strand). Cytogenetic location: 4p12.
Variant type: single nucleotide variant.
Coding change: c.1086T>G on transcript NM_021927.3 (MANE Select); coding-DNA position 1086, T replaced by G.
Protein change: p.Tyr362Ter; replaces tyrosine 362 with a stop codon.
Molecular consequence: nonsense.
Genome position (GRCh38, 1-based): chr4:44,689,293, T>G. VCF-style: chr4-44689293-T-G. GRCh37 (hg19) VCF-style: chr4-44691310-T-G.
Other names: c.114T>G, p.Tyr38Ter (NM_001345867.2, NM_001345869.2); c.1086T>G, p.Tyr362Ter (NM_001345868.2); short protein forms Y38*, Y362*.
Identifiers: ClinVar variation 2986209 (VCV002986209.3), dbSNP rs1339666454, ClinGen allele CA356763003.